The following is an entry in ClinVar:

NM_004415.4(DSP):c.5095A>C (p.Ser1699Arg)

Gene: DSP (desmoplakin; plus strand). Cytogenetic location: 6p24.3.
Variant type: single nucleotide variant.
Coding change: c.5095A>C on transcript NM_004415.4 (MANE Select); coding-DNA position 5095, A replaced by C.
Protein change: p.Ser1699Arg; replaces serine 1699 with arginine.
Molecular consequence: missense variant. On other transcripts: intron variant (2).
Genome position (GRCh38, 1-based): chr6:7,581,285, A>C. VCF-style: chr6-7581285-A-C. GRCh37 (hg19) VCF-style: chr6-7581518-A-C.
Other names: c.4050+1045A>C (NM_001319034.2); c.3583-1357A>C (NM_001008844.3); short protein forms S1699R.
Identifiers: ClinVar variation 2489031 (VCV002489031.4), dbSNP rs1759431627, ClinGen allele CA362687842.

ClinVar aggregate classification (germline): Uncertain significance. Review status: criteria provided, multiple submitters, no conflicts (2 of 4 stars). 2 submissions from 2 submitters: Uncertain significance (2). Last evaluated 2024-10-04.

Conditions:
Cardiovascular phenotype. Identifiers: MedGen CN230736.
Arrhythmogenic cardiomyopathy with wooly hair and keratoderma. Also called: Arrhythmogenic cardiomyopathy with woolly hair and keratoderma; PALMOPLANTAR KERATODERMA WITH LEFT VENTRICULAR CARDIOMYOPATHY AND WOOLLY HAIR; Carvajal syndrome; Dilated cardiomyopathy with woolly hair and keratoderma. Identifiers: Orphanet 65282, MedGen C1854063, MONDO:0011581, OMIM 605676.

Allele frequency attached by ClinVar (database versions not stated): gnomAD exomes below 0.00001; TOPMed below 0.00001; gnomAD 0.00001.
gnomAD v4.1: 3 of 1,614,032 alleles (0.00019%); highest among the groups gnomAD compares: Non-Finnish European, 0.00025%; no homozygotes.

Submissions (2):

Ambry Genetics
Classification: Uncertain significance for Cardiovascular phenotype. Last evaluated: 2024-10-04. Review status: criteria provided, single submitter. Criteria: Ambry Variant Classification Scheme 2023. Collection method: clinical testing. Allele origin: germline.
Comment: The p.S1699R variant (also known as c.5095A>C), located in coding exon 23 of the DSP gene, results from an A to C substitution at nucleotide position 5095. The serine at codon 1699 is replaced by arginine, an amino acid with dissimilar properties. This amino acid position is conserved. In addition, this alteration is predicted to be tolerated by in silico analysis. Based on the available evidence, the clinical significance of this variant remains unclear.

All of Us Research Program, National Institutes of Health
Classification: Uncertain significance for Arrhythmogenic cardiomyopathy with wooly hair and keratoderma. Last evaluated: 2023-06-28. Review status: criteria provided, single submitter. Criteria: ACMG Guidelines, 2015. Collection method: clinical testing. Allele origin: germline. Inheritance: Autosomal dominant inheritance. Observed: 1 variant allele, 1 heterozygote.
Comment: This study involves interpretation of variants in research participants for the purpose of population health screening. Participant phenotype was not available at the time of variant classification. Additional details can be found in publication PMID: 35346344, PMCID: PMC8962531